The following is an entry in ClinVar:

NM_016239.4(MYO15A):c.8968-1G>T

Gene: MYO15A (myosin XVA; plus strand). Cytogenetic location: 17p11.2.
Variant type: single nucleotide variant.
Coding change: c.8968-1G>T on transcript NM_016239.4 (MANE Select); the canonical splice acceptor site of the intron before coding-DNA position 8968, G replaced by T.
Molecular consequence: splice acceptor variant.
Genome position (GRCh38, 1-based): chr17:18,158,522, G>T. VCF-style: chr17-18158522-G-T. GRCh37 (hg19) VCF-style: chr17-18061836-G-T.
Identifiers: ClinVar variation 1691143 (VCV001691143.6), dbSNP rs746051220, ClinGen allele CA8425336.
Genomic context (GRCh38, chr17:18,158,522, plus strand): 5'-GACCGAAGGGCTAGGCGTGGTGTGGCCGGACTGGGCCTTCCTAGCTCCGCCTCTTCTGCA[G>T]GGTCCCCCAGTCAGGGCCCGCTCTGCTGACCATGGGGAGGACGCCCTGGCGCTCCCACCC-3'

ClinVar aggregate classification (germline): Pathogenic. Review status: criteria provided, multiple submitters, no conflicts (2 of 4 stars). 3 submissions from 3 submitters: Pathogenic (3). Last evaluated 2025-02-13.

Conditions:
Autosomal recessive nonsyndromic hearing loss 3. Also called: NEUROSENSORY NONSYNDROMIC RECESSIVE DEAFNESS 3. Identifiers: Orphanet 90636, MedGen C1838263, MONDO:0010860, OMIM 600316.

Allele frequency attached by ClinVar (database versions not stated): ExAC 0.00001; gnomAD 0.00001; gnomAD exomes 0.00001; TOPMed 0.00001.
gnomAD v4.1: 31 of 1,613,822 alleles (0.0019%); highest among the groups gnomAD compares: Non-Finnish European, 0.0025%; no homozygotes.

Submissions (3):

Labcorp Genetics (formerly Invitae), Labcorp
Classification: Pathogenic. Last evaluated: 2025-02-13. Review status: criteria provided, single submitter. Criteria: Invitae Variant Classification Sherloc (09022015). Collection method: clinical testing. Allele origin: germline.
Comment: This sequence change affects an acceptor splice site in intron 51 of the MYO15A gene. It is expected to disrupt RNA splicing. Variants that disrupt the donor or acceptor splice site typically lead to a loss of protein function (PMID: 16199547), and loss-of-function variants in MYO15A are known to be pathogenic (PMID: 17546645). This variant is present in population databases (rs746051220, gnomAD 0.002%). Disruption of this splice site has been observed in individuals with nonsyndromic deafness (PMID: 29986705, 33297549). ClinVar contains an entry for this variant (Variation ID: 1691143). Algorithms developed to predict the effect of sequence changes on RNA splicing suggest that this variant may disrupt the consensus splice site. For these reasons, this variant has been classified as Pathogenic.

GeneDx
Classification: Pathogenic. Last evaluated: 2022-05-18. Review status: criteria provided, single submitter. Criteria: GeneDx Variant Classification Process June 2021. Collection method: clinical testing. Allele origin: germline. Affected: yes.
Comment: Canonical splice site variant predicted to result in a null allele in a gene for which loss of function is a known mechanism of disease; Not observed at significant frequency in large population cohorts (gnomAD); This variant is associated with the following publications: (PMID: 17853461, 29986705, 33297549)

Fulgent Genetics
Classification: Pathogenic for Autosomal recessive nonsyndromic hearing loss 3. Last evaluated: 2021-08-26. Review status: criteria provided, single submitter. Criteria: ACMG Guidelines, 2015. Collection method: clinical testing. Allele origin: unknown.

Literature cited by the submitters: PubMed 16199547 (cited by Labcorp Genetics (formerly Invitae), Labcorp); PubMed 17546645 (cited by Labcorp Genetics (formerly Invitae), Labcorp); PubMed 29986705 (cited by Labcorp Genetics (formerly Invitae), Labcorp); PubMed 33297549 (cited by Labcorp Genetics (formerly Invitae), Labcorp).